The following is an entry in ClinVar:

NM_001128205.2(SULF1):c.335G>A (p.Cys112Tyr)

Gene: SULF1 (sulfatase 1; plus strand). Cytogenetic location: 8q13.2.
Variant type: single nucleotide variant.
Coding change: c.335G>A on transcript NM_001128205.2 (MANE Select); coding-DNA position 335, G replaced by A.
Protein change: p.Cys112Tyr; replaces cysteine 112 with tyrosine.
Molecular consequence: missense variant. On other transcripts: non-coding transcript variant (6), 5 prime UTR variant (3).
Genome position (GRCh38, 1-based): chr8:69,576,132, G>A. VCF-style: chr8-69576132-G-A. GRCh37 (hg19) VCF-style: chr8-70488367-G-A.
Other names: c.335G>A, p.Cys112Tyr (NM_001412850.1, NM_001412851.1, NM_015170.3 and 19 more transcripts); c.149G>A, p.Cys50Tyr (NM_001412841.1, NM_001412842.1); c.-192G>A (NM_001412844.1, NM_001412845.1); c.-1367G>A (NM_001412846.1); short protein forms C50Y, C112Y.
Identifiers: ClinVar variation 2693080 (VCV002693080.3), dbSNP rs2537045105, ClinGen allele CA371224458.

ClinVar aggregate classification (germline): Uncertain significance (1 of 4 stars; one submission).

Submission:

Labcorp Genetics (formerly Invitae), Labcorp
Classification: Uncertain significance. Last evaluated: 2023-05-23. Review status: criteria provided, single submitter. Criteria: Invitae Variant Classification Sherloc (09022015). Collection method: clinical testing. Allele origin: germline.
Comment: This variant is not present in population databases (gnomAD no frequency). This sequence change replaces cysteine, which is neutral and slightly polar, with tyrosine, which is neutral and polar, at codon 112 of the SULF1 protein (p.Cys112Tyr). This variant has not been reported in the literature in individuals affected with SULF1-related conditions. In summary, the available evidence is currently insufficient to determine the role of this variant in disease. Therefore, it has been classified as a Variant of Uncertain Significance. An algorithm developed to predict the effect of missense changes on protein structure and function (PolyPhen-2) suggests that this variant is likely to be disruptive.